The following is an entry in ClinVar:

NM_004655.4(AXIN2):c.1840G>T (p.Asp614Tyr)

Gene: AXIN2 (axin 2; minus strand). Cytogenetic location: 17q24.1.
Variant type: single nucleotide variant.
Coding change: c.1840G>T on transcript NM_004655.4 (MANE Select); coding-DNA position 1840, G replaced by T.
Protein change: p.Asp614Tyr; replaces aspartic acid 614 with tyrosine.
Molecular consequence: missense variant. On other transcripts: intron variant (1).
Genome position (GRCh38, 1-based): chr17:65,536,936, C>A on the plus strand (G>T on the coding strand, the complement: AXIN2 is on the minus strand). VCF-style: chr17-65536936-C-A. GRCh37 (hg19) VCF-style: chr17-63533054-C-A.
Other names: c.1713-383G>T (NM_001363813.1); short protein forms D614Y.
Identifiers: ClinVar variation 3224381 (VCV003224381.3), dbSNP rs2043932959, ClinGen allele CA400676520.

ClinVar aggregate classification (germline): Uncertain significance. Review status: criteria provided, multiple submitters, no conflicts (2 of 4 stars). 2 submissions from 2 submitters: Uncertain significance (2). Last evaluated 2024-02-18.

Conditions:
Oligodontia-cancer predisposition syndrome. Also called: TOOTH AGENESIS-COLORECTAL CANCER SYNDROME. Identifiers: Orphanet 300576, MedGen C1837750, MONDO:0012075, OMIM 608615. Disease mechanism: loss of function.
Hereditary cancer-predisposing syndrome. Also called: Tumor predisposition; Hereditary neoplastic syndrome; Hereditary Cancer Syndrome; Neoplastic Syndromes, Hereditary. Identifiers: Orphanet 140162, MedGen C0027672, MeSH D009386, MONDO:0015356.

Submissions (2):

Labcorp Genetics (formerly Invitae), Labcorp
Classification: Uncertain significance for Oligodontia-cancer predisposition syndrome. Last evaluated: 2024-02-18. Review status: criteria provided, single submitter. Criteria: Invitae Variant Classification Sherloc (09022015). Collection method: clinical testing. Allele origin: germline.
Comment: This sequence change replaces aspartic acid, which is acidic and polar, with tyrosine, which is neutral and polar, at codon 614 of the AXIN2 protein (p.Asp614Tyr). This variant is not present in population databases (gnomAD no frequency). This variant has not been reported in the literature in individuals affected with AXIN2-related conditions. Advanced modeling of protein sequence and biophysical properties (such as structural, functional, and spatial information, amino acid conservation, physicochemical variation, residue mobility, and thermodynamic stability) performed at Invitae indicates that this missense variant is expected to disrupt AXIN2 protein function with a positive predictive value of 80%. In summary, the available evidence is currently insufficient to determine the role of this variant in disease. Therefore, it has been classified as a Variant of Uncertain Significance.

Ambry Genetics
Classification: Uncertain significance for Hereditary cancer-predisposing syndrome. Last evaluated: 2024-01-16. Review status: criteria provided, single submitter. Criteria: Ambry Variant Classification Scheme 2023. Collection method: clinical testing. Allele origin: germline.
Comment: The p.D614Y variant (also known as c.1840G>T), located in coding exon 6 of the AXIN2 gene, results from a G to T substitution at nucleotide position 1840. The aspartic acid at codon 614 is replaced by tyrosine, an amino acid with highly dissimilar properties. This amino acid position is conserved. In addition, the in silico prediction for this alteration is inconclusive. Since supporting evidence is limited at this time, the clinical significance of this alteration remains unclear.